The following is an entry in ClinVar:

GRCh37/hg19 22q11.21(chr22:18916843-20716903)x3

Genes: ARVCF (ARVCF delta catenin family member; minus strand), C22orf39 (chromosome 22 open reading frame 39; minus strand), CDC45 (cell division cycle 45; plus strand), CLDN5 (claudin 5; minus strand), CLTCL1 (clathrin heavy chain like 1; minus strand) and 27 more. Cytogenetic location: 22q11.21.
Variant type: copy number gain.
Change: copy number 3 (three copies instead of two) of chr22:18,916,843-20,716,903 (1.80 Mb, GRCh37 coordinates, 1-based), cytogenetic band 22q11.21.
Identifiers: ClinVar variation 2684927 (VCV002684927.1).

ClinVar aggregate classification (germline): Pathogenic (1 of 4 stars; one submission).

Submission:

Quest Diagnostics Nichols Institute San Juan Capistrano
Classification: Pathogenic. Last evaluated: 2024-06-28. Review status: criteria provided, single submitter. Criteria: ACMG/ClinGen CNV Guidelines, 2019. Collection method: clinical testing. Allele origin: unknown.
Comment: This duplication is consistent with the recurrent proximal 22q11.21 (LCR22 A-B) duplication including TBX1 gene (ISCA-37433). Duplications of this region have been associated with a highly variable clinical phenotype. These duplications are frequently inherited from unaffected parents, demonstrating incomplete penetrance. Thus, this CNV is classified as pathogenic. References: Nguyen et al. Clin Case Rep. 2017 Feb 11;5(3):351-356. PMID: 28265405; Wenger et al. Mol Autism. 2016 May 6;7:27. PMID: 27158440; Van Camperhout, et al. 2012. Genet. Couns. 23:135-148; PMID: 22876571